The following is an entry in ClinVar:

NC_000023.10:g.(?_32563256)_(32591983_?)dup

Gene: DMD (dystrophin; minus strand). Cytogenetic location: Xp21.1.
Variant type: Duplication.
Identifiers: ClinVar variation 583478 (VCV000583478.2).

ClinVar aggregate classification (germline): Pathogenic (1 of 4 stars; one submission).

Conditions:
Duchenne muscular dystrophy (DMD). Also called: MUSCULAR DYSTROPHY, PSEUDOHYPERTROPHIC PROGRESSIVE, DUCHENNE TYPE; Duchenne Muscular Dystrophy (DMD). Identifiers: Orphanet 98896, MedGen C0013264, MONDO:0010679, OMIM 310200.

Submission:

Labcorp Genetics (formerly Invitae), Labcorp
Classification: Pathogenic for Duchenne muscular dystrophy. Last evaluated: 2019-03-22. Review status: criteria provided, single submitter. Criteria: Invitae Variant Classification Sherloc (09022015). Collection method: clinical testing. Allele origin: germline.
Comment: This variant is a gross duplication of the genomic region encompassing exons 14-17 of the DMD gene. While the exact position of the duplicated exons cannot be determined from this data, sub-genic duplications are generally in tandem (PMID: 25640679) and may result in an absent or disrupted protein product. Similar duplications of exons 14-17 have been reported in individuals affected with DMD-related dystrophinopathies (PMID: 16917894, 18752307). Loss-of-function variants in DMD are known to be pathogenic (PMID: 16770791, 25007885). For these reasons, this variant has been classified as Pathogenic.

Literature cited by the submitters: PubMed 18752307; PubMed 16917894.